The following is an entry in ClinVar:

NM_007103.4(NDUFV1):c.617G>A (p.Cys206Tyr)

Gene: NDUFV1 (NADH:ubiquinone oxidoreductase core subunit V1; plus strand). Cytogenetic location: 11q13.2.
Variant type: single nucleotide variant.
Coding change: c.617G>A on transcript NM_007103.4 (MANE Select); coding-DNA position 617, G replaced by A.
Protein change: p.Cys206Tyr; replaces cysteine 206 with tyrosine.
Molecular consequence: missense variant.
Genome position (GRCh38, 1-based): chr11:67,610,487, G>A. VCF-style: chr11-67610487-G-A. GRCh37 (hg19) VCF-style: chr11-67377958-G-A.
Other names: p.C206Y:TGT>TAT; c.590G>A, p.Cys197Tyr (NM_001166102.2); short protein forms C206Y, C197Y.
Identifiers: ClinVar variation 214863 (VCV000214863.2), dbSNP rs863224120, ClinGen allele CA322089.

ClinVar aggregate classification (germline): Pathogenic (1 of 4 stars; one submission).

Submission:

GeneDx
Classification: Pathogenic. Last evaluated: 2014-08-12. Review status: criteria provided, single submitter. Criteria: GeneDx Variant Classification (06012015). Collection method: clinical testing. Allele origin: germline. Affected: yes.
Comment: p.Cys206Tyr (TGT>TAT): c.617 G>A in exon 5 of the NDUFV1 gene (NM_007103.3). A C206Y mutation was identified in the NDUFV1 gene. The C206Y missense mutation in the NDUFV1 gene has not been published as a mutation, but a missense mutation at the same position (C206G) has been reported previously in association with mitochondrial complex I deficiency (Benit et al., 2001). The C206Y missense change is a non-conservative amino acid substitution, which is likely to impact secondary protein structure as these residues differ in polarity, charge, size and/or other properties. This substitution occurs at a position that is conserved across species. In silico analysis predicts this variant is probably damaging to the protein structure/function. Missense mutations in nearby residues (R199P, Y204C, A211V, E214K) have also been reported in association with complex 1 deficiency, supporting the functional importance of this region of the protein. Therefore, we interpret C206Y to be a pathogenic mutation. The variant is found in MITONUC-MITOP panel(s).